The following is an entry in ClinVar:

ClinVar aggregate classification (germline): Benign/Likely benign. Review status: criteria provided, multiple submitters, no conflicts (2 of 4 stars). 3 submissions from 3 submitters: Benign (2); Likely benign (1). Last evaluated 2026-01-25.

Conditions:
Epidermolysis bullosa simplex 3, localized or generalized intermediate, with BP230 deficiency (EBS3). Also called: Epidermolysis bullosa simplex, autosomal recessive 2; Epidermolysis bullosa simplex due to BP230 deficiency. Identifiers: Orphanet 412181, MedGen C3809470, MONDO:0014180, OMIM 615425.
Hereditary sensory and autonomic neuropathy type 6. Also called: HSAN VI; Neuropathy, hereditary sensory and autonomic, type VI. Identifiers: Orphanet 314381, MedGen C3539003, MONDO:0013839, OMIM 614653.

Submissions (3):

Labcorp Genetics (formerly Invitae), Labcorp
Classification: Benign for Epidermolysis bullosa simplex 3, localized or generalized intermediate, with BP230 deficiency; Hereditary sensory and autonomic neuropathy type 6. Last evaluated: 2026-01-25. Review status: criteria provided, single submitter. Criteria: Invitae Variant Classification Sherloc (09022015). Collection method: clinical testing. Allele origin: germline.

Mayo Clinic Laboratories, Mayo Clinic
Classification: Benign. Last evaluated: 2023-03-08. Review status: criteria provided, single submitter. Criteria: ACMG Guidelines, 2015. Collection method: clinical testing. Allele origin: germline. Observed: 139 variant alleles.
Comment: BS1, BS2, BP4

GeneDx
Classification: Likely benign. Last evaluated: 2021-03-28. Review status: criteria provided, single submitter. Criteria: GeneDx Variant Classification Process June 2021. Collection method: clinical testing. Allele origin: germline. Affected: yes.

NM_001374736.1(DST):c.21403-23TG[19]

Gene: DST (dystonin; minus strand). Cytogenetic location: 6p12.1.
Variant type: Microsatellite.
Coding change: c.21403-23TG[19] on transcript NM_001374736.1 (MANE Select); 19 copies in a row of the 2-base unit TG starting at c.21403-23.
Molecular consequence: intron variant.
Genome position: GRCh38 VCF-style: chr6-56482187-T-TCACACACACACACACACACACACA. GRCh37 (hg19) VCF-style: chr6-56346985-T-TCACACACACACACACACACACACA.
Other names: p.?; c.13534-10_13534-9insTGTGTGTGTGTGTGTGTGTGTGTG (NM_015548.5); c.15046-23TG[19] (NM_001144769.5); c.21403-23TG[19] (NM_001374722.1); c.21430-23TG[19] (NM_001374734.1); c.14632-23TG[19] (NM_001144770.2); c.14185-23TG[19] (NM_001374730.1); c.14512-23TG[19] (NM_001386100.1, NM_183380.4); and 2 more.
Identifiers: ClinVar variation 1164483 (VCV001164483.10), dbSNP rs144810945, ClinGen allele CA3866487.